The following is an entry in ClinVar:

NM_003995.4(NPR2):c.494G>A (p.Arg165His)

Gene: NPR2 (natriuretic peptide receptor 2; plus strand). Cytogenetic location: 9p13.3.
Variant type: single nucleotide variant.
Coding change: c.494G>A on transcript NM_003995.4 (MANE Select); coding-DNA position 494, G replaced by A.
Protein change: p.Arg165His; replaces arginine 165 with histidine.
Molecular consequence: missense variant.
Genome position (GRCh38, 1-based): chr9:35,792,902, G>A. VCF-style: chr9-35792902-G-A. GRCh37 (hg19) VCF-style: chr9-35792899-G-A.
Other names: c.494G>A, p.Arg165His (NM_001378923.1); short protein forms R165H.
Identifiers: ClinVar variation 931161 (VCV000931161.10), dbSNP rs781334893, ClinGen allele CA5051456.

ClinVar aggregate classification (germline): Uncertain significance. Review status: criteria provided, multiple submitters, no conflicts (2 of 4 stars). 3 submissions from 3 submitters: Uncertain significance (3). Last evaluated 2025-12-15.

Conditions:
Acromesomelic dysplasia 1, Maroteaux type (AMD1). Also called: ST. HELENA DYSPLASIA; ACROMESOMELIC DYSPLASIA 1. Identifiers: Orphanet 40, MedGen C1864356, MONDO:0011275, OMIM 602875.
Short stature with nonspecific skeletal abnormalities. Identifiers: MedGen C4225399, MONDO:0975810.
Tall stature-scoliosis-macrodactyly of the great toes syndrome. Also called: Epiphyseal chondrodysplasia, miura type. Identifiers: Orphanet 329191, MedGen C4014690, MONDO:0014401, OMIM 615923.

Allele frequency attached by ClinVar (database versions not stated): gnomAD 0.00002; TOPMed 0.00002; ExAC 0.00003; gnomAD exomes 0.00003.

Submissions (3):

Labcorp Genetics (formerly Invitae), Labcorp
Classification: Uncertain significance for Tall stature-scoliosis-macrodactyly of the great toes syndrome; Acromesomelic dysplasia 1, Maroteaux type. Last evaluated: 2025-12-15. Review status: criteria provided, single submitter. Criteria: Invitae Variant Classification Sherloc (09022015). Collection method: clinical testing. Allele origin: germline.
Comment: This sequence change replaces arginine, which is basic and polar, with histidine, which is basic and polar, at codon 165 of the NPR2 protein (p.Arg165His). This variant is present in population databases (rs781334893, gnomAD 0.005%). This variant has not been reported in the literature in individuals affected with NPR2-related conditions. ClinVar contains an entry for this variant (Variation ID: 931161). Invitae Evidence Modeling of protein sequence and biophysical properties (such as structural, functional, and spatial information, amino acid conservation, physicochemical variation, residue mobility, and thermodynamic stability) indicates that this missense variant is not expected to disrupt NPR2 protein function with a negative predictive value of 80%. In summary, the available evidence is currently insufficient to determine the role of this variant in disease. Therefore, it has been classified as a Variant of Uncertain Significance.

Institute of Human Genetics, University of Leipzig Medical Center
Classification: Uncertain significance for Short stature with nonspecific skeletal abnormalities 1. Last evaluated: 2019-11-27. Review status: criteria provided, single submitter. Criteria: ACMG Guidelines, 2015. Collection method: clinical testing. Allele origin: germline. Affected: yes. Observed: 1 variant allele.

Centre for Mendelian Genomics, University Medical Centre Ljubljana
Classification: Uncertain significance for Acromesomelic dysplasia 1, Maroteaux type. Last evaluated: 2019-05-14. Review status: criteria provided, single submitter. Criteria: ACMG Guidelines, 2015. Collection method: clinical testing. Allele origin: unknown. Affected: yes.
Comment: This variant was classified as: Uncertain significance. The available evidence favors the benign nature of this variant, however the evidence is insufficent to prove its benign nature. The following ACMG criteria were applied in classifying this variant: BP4.